The following is an entry in ClinVar:

ClinVar aggregate classification (germline): Likely benign. Review status: criteria provided, multiple submitters, no conflicts (2 of 4 stars). 2 submissions from 2 submitters: Likely benign (2). Last evaluated 2026-04-10.

Conditions:
DICER1-related tumor predisposition. Also called: DICER1 syndrome; DICER1-related pleuropulmonary blastoma cancer predisposition syndrome. Identifiers: Orphanet 284343, MedGen C3839822, MONDO:0100216.

Allele frequency attached by ClinVar (database versions not stated): gnomAD 0.00001.
gnomAD v4.1: 2 of 1,588,858 alleles (0.00013%); highest among the groups gnomAD compares: Non-Finnish European, 0.000086%; no homozygotes.

Submissions (2):

Myriad Genetics, Inc.
Classification: Likely benign for DICER1-related tumor predisposition. Last evaluated: 2026-04-10. Review status: criteria provided, single submitter. Criteria: Myriad Autosomal Dominant, Autosomal Recessive and X-Linked Classification Criteria (2023). Collection method: clinical testing. Allele origin: unknown.
Comment: This variant is considered likely benign. This variant is intronic and is not expected to impact mRNA splicing.

Labcorp Genetics (formerly Invitae), Labcorp
Classification: Likely benign for DICER1-related tumor predisposition. Last evaluated: 2025-04-18. Review status: criteria provided, single submitter. Criteria: Invitae Variant Classification Sherloc (09022015). Collection method: clinical testing. Allele origin: germline.

NM_177438.3(DICER1):c.735-15T>C

Gene: DICER1 (dicer 1, ribonuclease III; minus strand). Cytogenetic location: 14q32.13.
Variant type: single nucleotide variant.
Coding change: c.735-15T>C on transcript NM_177438.3 (MANE Select); 15 bases into the intron before coding-DNA position 735, T replaced by C.
Molecular consequence: intron variant.
Genome position (GRCh38, 1-based): chr14:95,126,763, A>G on the plus strand (T>C on the coding strand, the complement: DICER1 is on the minus strand). VCF-style: chr14-95126763-A-G. GRCh37 (hg19) VCF-style: chr14-95593100-A-G.
Other names: c.735-15T>C (NM_001291628.2, NM_030621.4, NM_001395677.1 and 14 more transcripts); c.330-15T>C (NM_001395690.1, NM_001395687.1, NM_001395689.1 and 3 more transcripts); c.453-15T>C (NM_001395686.1); c.168-15T>C (NM_001395691.1); c.-834-15T>C (NM_001395697.1).
Identifiers: ClinVar variation 2016785 (VCV002016785.5), dbSNP rs1325499185, ClinGen allele CA615846555.